The following is an entry in ClinVar:

ClinVar aggregate classification (germline): Uncertain significance. Review status: criteria provided, multiple submitters, no conflicts (2 of 4 stars). 2 submissions from 2 submitters: Uncertain significance (2). Last evaluated 2023-10-13.

Conditions:
Intellectual disability, CASK-related, X-linked. Identifiers: MedGen CN043158.

Allele frequency attached by ClinVar (database versions not stated): gnomAD exomes below 0.00001 and 0.00001; ExAC 0.00001; gnomAD 0.00001; 1000 Genomes Project 30x 0.00021; 1000 Genomes Project 0.00026.
gnomAD v4.1: 3 of 1,208,239 alleles (0.00025%); highest among the groups gnomAD compares: East Asian, 0.003%; no homozygotes.

Submissions (2):

Labcorp Genetics (formerly Invitae), Labcorp
Classification: Uncertain significance for Intellectual disability, CASK-related, X-linked. Last evaluated: 2023-10-13. Review status: criteria provided, single submitter. Criteria: Invitae Variant Classification Sherloc (09022015). Collection method: clinical testing. Allele origin: germline.
Comment: This sequence change replaces valine, which is neutral and non-polar, with methionine, which is neutral and non-polar, at codon 832 of the CASK protein (p.Val832Met). This variant is present in population databases (rs768962946, gnomAD 0.005%), including at least one homozygous and/or hemizygous individual. This variant has not been reported in the literature in individuals affected with CASK-related conditions. ClinVar contains an entry for this variant (Variation ID: 1184132). Advanced modeling of protein sequence and biophysical properties (such as structural, functional, and spatial information, amino acid conservation, physicochemical variation, residue mobility, and thermodynamic stability) has been performed at Invitae for this missense variant, however the output from this modeling did not meet the statistical confidence thresholds required to predict the impact of this variant on CASK protein function. In summary, the available evidence is currently insufficient to determine the role of this variant in disease. Therefore, it has been classified as a Variant of Uncertain Significance.

Laboratoire Génétique Moléculaire, CHRU TOURS
Classification: Uncertain significance. Last evaluated: 2018-03-27. Review status: criteria provided, single submitter. Criteria: ACMG Guidelines, 2015. Collection method: clinical testing. Allele origin: maternal.

NM_001367721.1(CASK):c.2509G>A (p.Val837Met)

Gene: CASK (calcium/calmodulin dependent serine protein kinase; minus strand). Cytogenetic location: Xp11.4.
Variant type: single nucleotide variant.
Coding change: c.2509G>A on transcript NM_001367721.1 (MANE Select); coding-DNA position 2509, G replaced by A.
Protein change: p.Val837Met; replaces valine 837 with methionine.
Molecular consequence: missense variant.
Genome position (GRCh38, 1-based): chrX:41,531,018, C>T on the plus strand (G>A on the coding strand, the complement: CASK is on the minus strand). VCF-style: chrX-41531018-C-T. GRCh37 (hg19) VCF-style: chrX-41390271-C-T.
Other names: c.2425G>A, p.Val809Met (NM_001126054.3); c.2422G>A, p.Val808Met (NM_001126055.3); c.2491G>A, p.Val831Met (NM_001410745.1); c.2494G>A, p.Val832Met (NM_003688.4); short protein forms V808M, V809M, V832M, V837M, V831M.
Identifiers: ClinVar variation 1184132 (VCV001184132.6), dbSNP rs768962946, ClinGen allele CA10390013.